The following is an entry in ClinVar:

NM_001080414.4(CCDC88C):c.61-336G>A

Gene: CCDC88C (coiled-coil and HOOK domain protein 88C; minus strand). Cytogenetic location: 14q32.12.
Variant type: single nucleotide variant.
Coding change: c.61-336G>A on transcript NM_001080414.4 (MANE Select); 336 bases into the intron before coding-DNA position 61, G replaced by A.
Molecular consequence: intron variant.
Genome position (GRCh38, 1-based): chr14:91,417,174, C>T on the plus strand (G>A on the coding strand, the complement: CCDC88C is on the minus strand). VCF-style: chr14-91417174-C-T. GRCh37 (hg19) VCF-style: chr14-91883518-C-T.
Identifiers: ClinVar variation 4821536 (VCV004821536.4).

ClinVar aggregate classification (germline): Benign (1 of 4 stars; one submission).

gnomAD v4.1: 759 of 703,098 alleles (0.11%); highest among the groups gnomAD compares: South Asian, 1.1%; 12 homozygotes.

Submission:

CeGaT Center for Human Genetics Tuebingen
Classification: Benign. Last evaluated: 2026-03-01. Review status: criteria provided, single submitter. Criteria: CeGaT Center For Human Genetics Tuebingen Variant Classification Criteria Version 2. Collection method: clinical testing. Allele origin: germline. Affected: yes. Observed: 2 variant alleles.
Comment: CCDC88C: BP4, BS1, BS2